The following is an entry in ClinVar:

NM_006231.4(POLE):c.2838G>T (p.Lys946Asn)

Gene: POLE (DNA polymerase epsilon, catalytic subunit; minus strand). Cytogenetic location: 12q24.33.
Variant type: single nucleotide variant.
Coding change: c.2838G>T on transcript NM_006231.4 (MANE Select); coding-DNA position 2838, G replaced by T.
Protein change: p.Lys946Asn; replaces lysine 946 with asparagine.
Molecular consequence: missense variant.
Genome position (GRCh38, 1-based): chr12:132,661,553, C>A on the plus strand (G>T on the coding strand, the complement: POLE is on the minus strand). VCF-style: chr12-132661553-C-A. GRCh37 (hg19) VCF-style: chr12-133238139-C-A.
Other names: short protein forms K946N.
Identifiers: ClinVar variation 4745633 (VCV004745633.1).

ClinVar aggregate classification (germline): Uncertain significance (1 of 4 stars; one submission).

Submission:

Labcorp Genetics (formerly Invitae), Labcorp
Classification: Uncertain significance. Last evaluated: 2025-03-19. Review status: criteria provided, single submitter. Criteria: Invitae Variant Classification Sherloc (09022015). Collection method: clinical testing. Allele origin: germline.
Comment: This sequence change replaces lysine, which is basic and polar, with asparagine, which is neutral and polar, at codon 946 of the POLE protein (p.Lys946Asn). This variant is not present in population databases (gnomAD no frequency). This variant has not been reported in the literature in individuals affected with POLE-related conditions. Invitae Evidence Modeling of protein sequence and biophysical properties (such as structural, functional, and spatial information, amino acid conservation, physicochemical variation, residue mobility, and thermodynamic stability) indicates that this missense variant is expected to disrupt POLE protein function with a positive predictive value of 80%. In summary, the available evidence is currently insufficient to determine the role of this variant in disease. Therefore, it has been classified as a Variant of Uncertain Significance.